The following is an entry in ClinVar:

ClinVar aggregate classification (germline): Uncertain significance (1 of 4 stars; one submission).

Allele frequency attached by ClinVar (database versions not stated): gnomAD 0.00001; ExAC 0.00002; gnomAD exomes 0.00002.

Submission:

Labcorp Genetics (formerly Invitae), Labcorp
Classification: Uncertain significance. Last evaluated: 2024-08-28. Review status: criteria provided, single submitter. Criteria: Invitae Variant Classification Sherloc (09022015). Collection method: clinical testing. Allele origin: germline.
Comment: This sequence change replaces arginine, which is basic and polar, with histidine, which is basic and polar, at codon 497 of the ZNF341 protein (p.Arg497His). This variant is present in population databases (rs762776729, gnomAD 0.003%). This variant has not been reported in the literature in individuals affected with ZNF341-related conditions. ClinVar contains an entry for this variant (Variation ID: 1407337). An algorithm developed to predict the effect of missense changes on protein structure and function (PolyPhen-2) suggests that this variant is likely to be disruptive. In summary, the available evidence is currently insufficient to determine the role of this variant in disease. Therefore, it has been classified as a Variant of Uncertain Significance.

NM_001282933.2(ZNF341):c.1511G>A (p.Arg504His)

Gene: ZNF341 (zinc finger protein 341; plus strand). Cytogenetic location: 20q11.22.
Variant type: single nucleotide variant.
Coding change: c.1511G>A on transcript NM_001282933.2 (MANE Select); coding-DNA position 1511, G replaced by A.
Protein change: p.Arg504His; replaces arginine 504 with histidine.
Molecular consequence: missense variant. On other transcripts: non-coding transcript variant (1).
Genome position (GRCh38, 1-based): chr20:33,770,181, G>A. VCF-style: chr20-33770181-G-A. GRCh37 (hg19) VCF-style: chr20-32357987-G-A.
Other names: c.1241G>A, p.Arg414His (NM_001282935.2); c.1490G>A, p.Arg497His (NM_032819.5); short protein forms R414H, R497H, R504H.
Identifiers: ClinVar variation 1407337 (VCV001407337.6), dbSNP rs762776729, ClinGen allele CA9819465.